The following is an entry in ClinVar:

NM_000018.4(ACADVL):c.1328T>C (p.Met443Thr)

Gene: ACADVL (acyl-CoA dehydrogenase very long chain; plus strand). Cytogenetic location: 17p13.1.
Variant type: single nucleotide variant.
Coding change: c.1328T>C on transcript NM_000018.4 (MANE Select); coding-DNA position 1328, T replaced by C.
Protein change: p.Met443Thr; replaces methionine 443 with threonine.
Molecular consequence: missense variant.
Genome position (GRCh38, 1-based): chr17:7,223,871, T>C. VCF-style: chr17-7223871-T-C. GRCh37 (hg19) VCF-style: chr17-7127190-T-C.
Other names: c.1328T>C (NM_000018.3); c.1262T>C, p.Met421Thr (NM_001033859.3); c.1397T>C, p.Met466Thr (NM_001270447.2); c.1100T>C, p.Met367Thr (NM_001270448.2); short protein forms M367T, M443T, M466T, M421T.
Identifiers: ClinVar variation 1437726 (VCV001437726.10), dbSNP rs886043236, ClinGen allele CA397724879.

ClinVar aggregate classification (germline): Pathogenic/Likely pathogenic. Review status: criteria provided, multiple submitters, no conflicts (2 of 4 stars). 2 submissions from 2 submitters: Pathogenic (1); Likely pathogenic (1). Last evaluated 2025-03-11.

Conditions:
Very long chain acyl-CoA dehydrogenase deficiency (ACADVLD). Also called: Very Long-Chain Acyl-Coenzyme A Dehydrogenase Deficiency; VLCAD Deficiency. Identifiers: Orphanet 26793, MedGen C3887523, MONDO:0008723, OMIM 201475.

Allele frequency attached by ClinVar (database versions not stated): gnomAD exomes below 0.00001.
gnomAD v4.1: 1 of 1,613,968 alleles (0.000062%); highest among the groups gnomAD compares: Admixed American, 0.0017%; no homozygotes.

Submissions (2):

Labcorp Genetics (formerly Invitae), Labcorp
Classification: Pathogenic for Very long chain acyl-CoA dehydrogenase deficiency. Last evaluated: 2025-03-11. Review status: criteria provided, single submitter. Criteria: Invitae Variant Classification Sherloc (09022015). Collection method: clinical testing. Allele origin: germline.
Comment: This sequence change replaces methionine, which is neutral and non-polar, with threonine, which is neutral and polar, at codon 443 of the ACADVL protein (p.Met443Thr). This variant is present in population databases (no rsID available, gnomAD 0.003%). This missense change has been observed in individual(s) with very long chain acyl-CoA dehydrogenase deficiency (PMID: 25652019, 34704412). In at least one individual the data is consistent with being in trans (on the opposite chromosome) from a pathogenic variant. ClinVar contains an entry for this variant (Variation ID: 1437726). Invitae Evidence Modeling of protein sequence and biophysical properties (such as structural, functional, and spatial information, amino acid conservation, physicochemical variation, residue mobility, and thermodynamic stability) indicates that this missense variant is not expected to disrupt ACADVL protein function with a negative predictive value of 80%. This variant disrupts the p.Met443 amino acid residue in ACADVL. Other variant(s) that disrupt this residue have been determined to be pathogenic (PMID: 23480858). This suggests that this residue is clinically significant, and that variants that disrupt this residue are likely to be disease-causing. For these reasons, this variant has been classified as Pathogenic.

Natera, Inc.
Classification: Likely pathogenic for Very long chain acyl-CoA dehydrogenase deficiency. Last evaluated: 2025-01-10. Review status: criteria provided, single submitter. Criteria: Natera Variant Classification Schema (03/2026). Collection method: clinical testing. Allele origin: germline.
Comment: The c.1328T>C variant in ACADVL is a missense variant predicted to cause substitution of methionine to threonine at amino acid 443. This variant is rare in the general population with a frequency below the threshold expected for the associated phenotype(s). This variant has been observed in one or more individuals affected with the associated recessive disease, as either homozygous or compound heterozygous with a second variant (PMID: 25652019). This variant has been identified in one or more affected individuals with a phenotype highly consistent with the associated gene (PMID: 25652019). A different variant at the same position has been determined to be Pathogenic or Likely Pathogenic. Given the available evidence, this variant is classified as Likely Pathogenic.

Literature cited by the submitters: PubMed 25652019 (cited by Labcorp Genetics (formerly Invitae), Labcorp and Natera, Inc.); PubMed 34704412 (cited by Labcorp Genetics (formerly Invitae), Labcorp); PubMed 23480858 (cited by Labcorp Genetics (formerly Invitae), Labcorp).